The following is an entry in ClinVar:

ClinVar aggregate classification (germline): Conflicting classifications of pathogenicity. Review status: criteria provided, conflicting classifications (1 of 4 stars). 3 submissions from 3 submitters: Uncertain significance (1); Likely benign (2). Last evaluated 2025-12-16.

Conditions:
Cardiovascular phenotype. Identifiers: MedGen CN230736.
Danon disease. Also called: ANTOPOL DISEASE; PSEUDOGLYCOGENOSIS II; Glycogen Storage Disease Type IIb; GSD IIb; LYSOSOMAL GLYCOGEN STORAGE DISEASE WITHOUT ACID MALTASE DEFICIENCY. Identifiers: Orphanet 34587, MedGen C0878677, MONDO:0010281, OMIM 300257.

Allele frequency attached by ClinVar (database versions not stated): TOPMed 0.00001; gnomAD exomes 0.00002 and 0.00005; gnomAD 0.00004; ExAC 0.00009.
gnomAD v4.1: 29 of 1,209,755 alleles (0.0024%); highest among the groups gnomAD compares: South Asian, 0.012%; no homozygotes.

Submissions (3):

Labcorp Genetics (formerly Invitae), Labcorp
Classification: Likely benign for Danon disease. Last evaluated: 2025-12-16. Review status: criteria provided, single submitter. Criteria: Invitae Variant Classification Sherloc (09022015). Collection method: clinical testing. Allele origin: germline.

Ambry Genetics
Classification: Uncertain significance for Cardiovascular phenotype. Last evaluated: 2025-10-06. Review status: criteria provided, single submitter. Criteria: Ambry Variant Classification Scheme 2023. Collection method: clinical testing. Allele origin: germline.
Comment: The p.I379M variant (also known as c.1137A>G), located in coding exon 9 of the LAMP2 gene, results from an A to G substitution at nucleotide position 1137. The isoleucine at codon 379 is replaced by methionine, an amino acid with highly similar properties. This amino acid position is highly conserved in available vertebrate species. In addition, this alteration is predicted to be deleterious by in silico analysis. Based on data from gnomAD, the G allele has an overall frequency of <0.01% (9/181247) total alleles studied, with 4 hemizygote(s) observed. The highest observed frequency was 0.01% (8/79769) of European (non-Finnish) alleles. Based on the available evidence, the clinical significance of this variant remains unclear.

Blueprint Genetics
Classification: Likely benign. Last evaluated: 2022-01-21. Review status: criteria provided, single submitter. Criteria: ACMG Guidelines, 2015. Collection method: clinical testing. Allele origin: germline.

NM_002294.3(LAMP2):c.1137A>G (p.Ile379Met)

Gene: LAMP2 (lysosome associated membrane protein 2; minus strand). Cytogenetic location: Xq24.
Variant type: single nucleotide variant.
Coding change: c.1137A>G on transcript NM_002294.3 (MANE Select); coding-DNA position 1137, A replaced by G.
Protein change: p.Ile379Met; replaces isoleucine 379 with methionine.
Molecular consequence: missense variant. On other transcripts: intron variant (1).
Genome position (GRCh38, 1-based): chrX:120,431,419, T>C on the plus strand (A>G on the coding strand, the complement: LAMP2 is on the minus strand). VCF-style: chrX-120431419-T-C. GRCh37 (hg19) VCF-style: chrX-119565274-T-C.
Other names: c.1094-2793A>G (NM_001122606.1); short protein forms I379M.
Identifiers: ClinVar variation 180396 (VCV000180396.14), dbSNP rs730880126, ClinGen allele CA346415.
Genomic context (GRCh38, chrX:120,431,419, plus strand): 5'-ACCAATAAAATAAGCCAGCAACACTAGAATAAGTACTCCTGCCAAGGCAGCTCCCACCGC[T>C]ATGGGCACAAGGAAGTTGTCGTCATCTGCACTGCAGTCTTGAGCTAGATGTGGAGAAAGG-3'
Protein context (NP_002285.1, residues 369-389): SADDDNFLVP[Ile379Met]AVGAALAGVL